The following is an entry in ClinVar:

NM_152543.3(SPMIP2):c.402C>T (p.Arg134=)

Gene: SPMIP2 (sperm microtubule inner protein 2; minus strand). Cytogenetic location: 4q32.1.
Variant type: single nucleotide variant.
Coding change: c.402C>T on transcript NM_152543.3 (MANE Select); coding-DNA position 402, C replaced by T.
Protein change: p.Arg134=; no amino-acid change (arginine 134 retained).
Molecular consequence: synonymous variant.
Genome position (GRCh38, 1-based): chr4:158,915,314, G>A on the plus strand (C>T on the coding strand, the complement: SPMIP2 is on the minus strand). VCF-style: chr4-158915314-G-A. GRCh37 (hg19) VCF-style: chr4-159836466-G-A.
Identifiers: ClinVar variation 3778014 (VCV003778014.7).

ClinVar aggregate classification (germline): Likely benign (1 of 4 stars; one submission).

gnomAD v4.1: 246 of 1,613,284 alleles (0.015%); highest among the groups gnomAD compares: Non-Finnish European, 0.0088%; no homozygotes.

Submission:

CeGaT Center for Human Genetics Tuebingen
Classification: Likely benign. Last evaluated: 2025-03-01. Review status: criteria provided, single submitter. Criteria: CeGaT Center For Human Genetics Tuebingen Variant Classification Criteria Version 2. Collection method: clinical testing. Allele origin: germline. Affected: yes. Observed: 1 variant allele.
Comment: SPMIP2: BP4, BP7